The following is an entry in ClinVar:

ClinVar aggregate classification (germline): Benign. Review status: criteria provided, multiple submitters, no conflicts (2 of 4 stars). 3 submissions from 3 submitters: Benign (2). 1 of the submissions does not count toward it. Last evaluated 2018-04-19.

Conditions:
APBA2-related disorder. Also called: APBA2-related condition.

Allele frequency attached by ClinVar (database versions not stated): gnomAD 0.00155 and 0.00165; TOPMed 0.00165; 1000 Genomes Project 0.00200; 1000 Genomes Project 30x 0.00234; ESP Exome Variant Server 0.00261.
gnomAD v4.1: 408 of 1,613,118 alleles (0.025%); highest among the groups gnomAD compares: African/African-American, 0.48%; 1 homozygote.

Submissions (3):

Labcorp Genetics (formerly Invitae), Labcorp
Classification: Benign. Last evaluated: 2018-04-19. Review status: criteria provided, single submitter. Criteria: Invitae Variant Classification Sherloc (09022015). Collection method: clinical testing. Allele origin: germline.

Breakthrough Genomics
Classification: Benign. Review status: criteria provided, single submitter. Criteria: ACMG Guidelines, 2015. Collection method: not provided. Allele origin: germline. Inheritance: Unknown mechanism. Affected: yes.

PreventionGenetics, part of Exact Sciences
Classification: Likely benign for APBA2-related condition. Last evaluated: 2019-04-01. Review status: no assertion criteria provided. Collection method: clinical testing. Allele origin: germline. Not counted in ClinVar's aggregate classification.
Comment: This variant is classified as likely benign based on ACMG/AMP sequence variant interpretation guidelines (Richards et al. 2015 PMID: 25741868, with internal and published modifications).

NM_001353788.2(APBA2):c.1705-9C>T

Gene: APBA2 (amyloid beta precursor protein binding family A member 2; plus strand). Cytogenetic location: 15q13.1.
Variant type: single nucleotide variant.
Coding change: c.1705-9C>T on transcript NM_001353788.2 (MANE Select); 9 bases into the intron before coding-DNA position 1705, C replaced by T.
Molecular consequence: intron variant.
Genome position (GRCh38, 1-based): chr15:29,106,598, C>T. VCF-style: chr15-29106598-C-T. GRCh37 (hg19) VCF-style: chr15-29398801-C-T.
Other names: c.1705-9C>T (NM_001353790.2, NM_001353789.2, NM_001353795.2 and 2 more transcripts); c.1669-9C>T (NM_001353792.2, NM_001130414.1, NM_001353793.2 and 1 more transcripts); c.817-9C>T (NM_001353796.2); c.781-9C>T (NM_001353797.2).
Identifiers: ClinVar variation 790688 (VCV000790688.6), dbSNP rs187542324, ClinGen allele CA7445543.